The following is an entry in ClinVar:

NM_001174089.2(SLC4A11):c.197G>T (p.Arg66Leu)

Gene: SLC4A11 (solute carrier family 4 member 11; minus strand). Cytogenetic location: 20p13.
Variant type: single nucleotide variant.
Coding change: c.197G>T on transcript NM_001174089.2 (MANE Select); coding-DNA position 197, G replaced by T.
Protein change: p.Arg66Leu; replaces arginine 66 with leucine.
Molecular consequence: missense variant. On other transcripts: non-coding transcript variant (3).
Genome position (GRCh38, 1-based): chr20:3,234,786, C>A on the plus strand (G>T on the coding strand, the complement: SLC4A11 is on the minus strand). VCF-style: chr20-3234786-C-A. GRCh37 (hg19) VCF-style: chr20-3215432-C-A.
Other names: c.326G>T, p.Arg109Leu (NM_001174090.2, NM_001400280.1); c.197G>T, p.Arg66Leu (NM_001363745.2); c.140G>T, p.Arg47Leu (NM_001400277.1, NM_001400278.1, NM_001400279.1); c.245G>T, p.Arg82Leu (NM_032034.4); c.245G>T (NM_032034.3); short protein forms R66L, R109L, R47L, R82L.
Identifiers: ClinVar variation 2056048 (VCV002056048.2), dbSNP rs200106947, ClinGen allele CA9742423.

ClinVar aggregate classification (germline): Uncertain significance. Review status: criteria provided, multiple submitters, no conflicts (2 of 4 stars). 2 submissions from 2 submitters: Uncertain significance (2). Last evaluated 2024-04-08.

Conditions:
Inborn genetic diseases. Identifiers: MedGen C0950123, MeSH D030342.

Allele frequency attached by ClinVar (database versions not stated): ESP Exome Variant Server 0.00008; 1000 Genomes Project 30x 0.00031; 1000 Genomes Project 0.00040.
gnomAD v4.1: 161 of 1,614,050 alleles (0.01%); highest among the groups gnomAD compares: Middle Eastern, 0.049%; no homozygotes.

Submissions (2):

Ambry Genetics
Classification: Uncertain significance for Inborn genetic diseases. Last evaluated: 2024-04-08. Review status: criteria provided, single submitter. Criteria: Ambry Variant Classification Scheme 2023. Collection method: clinical testing. Allele origin: germline.

Labcorp Genetics (formerly Invitae), Labcorp
Classification: Uncertain significance. Last evaluated: 2022-06-05. Review status: criteria provided, single submitter. Criteria: Invitae Variant Classification Sherloc (09022015). Collection method: clinical testing. Allele origin: germline.
Comment: This sequence change replaces arginine, which is basic and polar, with leucine, which is neutral and non-polar, at codon 82 of the SLC4A11 protein (p.Arg82Leu). This variant is present in population databases (rs200106947, gnomAD 0.02%). This variant has not been reported in the literature in individuals affected with SLC4A11-related conditions. Algorithms developed to predict the effect of missense changes on protein structure and function are either unavailable or do not agree on the potential impact of this missense change (SIFT: "Deleterious"; PolyPhen-2: "Benign"; Align-GVGD: "Class C0"). Algorithms developed to predict the effect of sequence changes on RNA splicing suggest that this variant may create or strengthen a splice site. In summary, the available evidence is currently insufficient to determine the role of this variant in disease. Therefore, it has been classified as a Variant of Uncertain Significance.